The following is an entry in ClinVar:

ClinVar aggregate classification (germline): Uncertain significance (1 of 4 stars; one submission).

Submission:

GeneDx
Classification: Uncertain significance. Last evaluated: 2024-05-17. Review status: criteria provided, single submitter. Criteria: GeneDx Variant Classification Process June 2021. Collection method: clinical testing. Allele origin: germline. Affected: yes.
Comment: Not observed at significant frequency in large population cohorts (gnomAD); In silico analysis indicates that this missense variant does not alter protein structure/function; Has not been previously published as pathogenic or benign to our knowledge

NM_001077653.2(TBX20):c.1028A>C (p.Asn343Thr)

Gene: TBX20 (T-box transcription factor 20; minus strand). Cytogenetic location: 7p14.2.
Variant type: single nucleotide variant.
Coding change: c.1028A>C on transcript NM_001077653.2 (MANE Select); coding-DNA position 1028, A replaced by C.
Protein change: p.Asn343Thr; replaces asparagine 343 with threonine.
Molecular consequence: missense variant.
Genome position (GRCh38, 1-based): chr7:35,202,746, T>G on the plus strand (A>C on the coding strand, the complement: TBX20 is on the minus strand). VCF-style: chr7-35202746-T-G. GRCh37 (hg19) VCF-style: chr7-35242358-T-G.
Other names: short protein forms N343T.
Identifiers: ClinVar variation 3377890 (VCV003377890.1).
Genomic context (GRCh38, chr7:35,202,746, plus strand): 5'-TGTGGGTGCTGAAACCCAGGAAAACTGGAAGAAGATGATACCCAGGAGCTGAGAGACAAA[T>G]TATCAGATGTTGTAAAGGCTGACCCTGTAAGGAAAAACACTCATTAGACTGGAAACACTG-3'
Protein context (NP_001071121.1, residues 333-353): NRGSAFTTSD[Asn343Thr]LSLSSWVSSS